The following is an entry in ClinVar:

NM_004304.5(ALK):c.-3G>A

Gene: ALK (ALK receptor tyrosine kinase; minus strand). Cytogenetic location: 2p23.1.
Variant type: single nucleotide variant.
Coding change: c.-3G>A on transcript NM_004304.5 (MANE Select); 3 bases upstream of the start codon, G replaced by A.
Molecular consequence: 5 prime UTR variant.
Genome position (GRCh38, 1-based): chr2:29,920,662, C>T on the plus strand (G>A on the coding strand, the complement: ALK is on the minus strand). VCF-style: chr2-29920662-C-T. GRCh37 (hg19) VCF-style: chr2-30143528-C-T.
Other names: c.-3G>A (NM_004304.4).
Identifiers: ClinVar variation 3371608 (VCV003371608.2).

ClinVar aggregate classification (germline): Uncertain significance. Review status: criteria provided, multiple submitters, no conflicts (2 of 4 stars). 2 submissions from 2 submitters: Uncertain significance (2). Last evaluated 2025-05-16.

Conditions:
Hereditary cancer-predisposing syndrome. Also called: Tumor predisposition; Neoplastic Syndromes, Hereditary; Hereditary neoplastic syndrome; Hereditary Cancer Syndrome. Identifiers: Orphanet 140162, MedGen C0027672, MeSH D009386, MONDO:0015356.

Submissions (2):

Ambry Genetics
Classification: Uncertain significance for Hereditary cancer-predisposing syndrome. Last evaluated: 2025-05-16. Review status: criteria provided, single submitter. Criteria: Ambry Variant Classification Scheme 2023. Collection method: clinical testing. Allele origin: germline.
Comment: The c.-3G>A variant is located in the 5' untranslated region (5&rsquo; UTR) of the ALK gene. This variant results from a G to A substitution 3 bases upstream from the first translated codon. This nucleotide position is well conserved in available vertebrate species. Based on the available evidence, the clinical significance of this variant remains unclear.

GeneDx
Classification: Uncertain significance. Last evaluated: 2024-03-29. Review status: criteria provided, single submitter. Criteria: GeneDx Variant Classification Process June 2021. Collection method: clinical testing. Allele origin: germline. Affected: yes.
Comment: Alters the Kozak sequence, which plays a major role in the initiation of translation; Not observed at significant frequency in large population cohorts (gnomAD); Has not been previously published as pathogenic or benign to our knowledge